The following is an entry in ClinVar:

ClinVar aggregate classification (germline): Benign. Review status: criteria provided, multiple submitters, no conflicts (2 of 4 stars). 3 submissions from 3 submitters: Benign (2). 1 of the submissions does not count toward it. Last evaluated 2021-08-18.

Conditions:
ZNF462-related disorder. Also called: ZNF462-related condition; ZNF462 related disease.

Allele frequency attached by ClinVar (database versions not stated): 1000 Genomes Project 0.08307; 1000 Genomes Project 30x 0.08760; gnomAD exomes 0.09546 and 0.10890; ExAC 0.10324; gnomAD 0.11719 and 0.12120; TOPMed 0.11917; ESP Exome Variant Server 0.13402.
gnomAD v4.1: 176,636 of 1,612,950 alleles (11%); highest among the groups gnomAD compares: African/African-American, 16%; 10,259 homozygotes.

Submissions (3):

GeneDx
Classification: Benign. Last evaluated: 2021-08-18. Review status: criteria provided, single submitter. Criteria: GeneDx Variant Classification Process June 2021. Collection method: clinical testing. Allele origin: germline. Affected: yes.

Breakthrough Genomics
Classification: Benign. Review status: criteria provided, single submitter. Criteria: ACMG Guidelines, 2015. Collection method: not provided. Allele origin: germline. Inheritance: Autosomal dominant inheritance. Affected: yes.

PreventionGenetics, part of Exact Sciences
Classification: Benign for ZNF462-related condition. Last evaluated: 2019-11-07. Review status: no assertion criteria provided. Collection method: clinical testing. Allele origin: germline. Not counted in ClinVar's aggregate classification.
Comment: This variant is classified as benign based on ACMG/AMP sequence variant interpretation guidelines (Richards et al. 2015 PMID: 25741868, with internal and published modifications).

NM_021224.6(ZNF462):c.7355A>T (p.His2452Leu)

Genes: ZNF462 (zinc finger protein 462; plus strand), LOC340512 (uncharacterized LOC340512; minus strand). Cytogenetic location: 9q31.2.
Variant type: single nucleotide variant.
Coding change: c.7355A>T on transcript NM_021224.6 (MANE Select); coding-DNA position 7355, A replaced by T.
Protein change: p.His2452Leu; replaces histidine 2452 with leucine.
Molecular consequence: missense variant.
Genome position (GRCh38, 1-based): chr9:107,010,864, A>T. VCF-style: chr9-107010864-A-T. GRCh37 (hg19) VCF-style: chr9-109773145-A-T.
Other names: c.4760A>T, p.His1587Leu (NM_001347997.2); c.7355A>T (NM_021224.5); short protein forms H1587L, H2452L.
Identifiers: ClinVar variation 1272174 (VCV001272174.4), dbSNP rs10217192, ClinGen allele CA5172493.